The following is an entry in ClinVar:

NM_000051.4(ATM):c.2743dup (p.Thr915fs)

Gene: ATM (ATM serine/threonine kinase; plus strand). Cytogenetic location: 11q22.3.
Variant type: Duplication.
Coding change: c.2743dup on transcript NM_000051.4 (MANE Select); coding-DNA position 2743, one base duplicated (A; older notation c.2743dupA).
Protein change: p.Thr915fs; shifts the reading frame from threonine 915.
Molecular consequence: frameshift variant.
Genome position (GRCh38, 1-based): chr11:108,268,514, A duplicated. VCF-style (leftmost placement, unchanged base first): chr11-108268513-T-TA. GRCh37 (hg19) VCF-style: chr11-108139240-T-TA.
Other names: c.2743dup, p.Thr915fs (NM_001351834.2); short protein forms T915fs.
Identifiers: ClinVar variation 3652529 (VCV003652529.2).

ClinVar aggregate classification (germline): Pathogenic (1 of 4 stars; one submission).

Conditions:
Ataxia-telangiectasia syndrome (AT). Also called: ATAXIA-TELANGIECTASIA, COMPLEMENTATION GROUP A; ATAXIA-TELANGIECTASIA, FRESNO VARIANT; LOUIS-BAR SYNDROME; Ataxia-telangiectasia, complementation group D; Ataxia-telangiectasia, complementation group E; Cerebello-oculocutaneous telangiectasia. Identifiers: Orphanet 100, MedGen C0004135, MONDO:0008840, OMIM 208900.

Submission:

Labcorp Genetics (formerly Invitae), Labcorp
Classification: Pathogenic for Ataxia-telangiectasia syndrome. Last evaluated: 2024-06-28. Review status: criteria provided, single submitter. Criteria: Invitae Variant Classification Sherloc (09022015). Collection method: clinical testing. Allele origin: germline.
Comment: This sequence change creates a premature translational stop signal (p.Thr915Asnfs*5) in the ATM gene. It is expected to result in an absent or disrupted protein product. Loss-of-function variants in ATM are known to be pathogenic (PMID: 23807571, 25614872). This variant is not present in population databases (gnomAD no frequency). This variant has not been reported in the literature in individuals affected with ATM-related conditions. For these reasons, this variant has been classified as Pathogenic.

Literature cited by the submitters: PubMed 23807571; PubMed 25614872.